The following is an entry in ClinVar:

NM_004281.4(BAG3):c.863_867del (p.His288fs)

Gene: BAG3 (BAG cochaperone 3; plus strand). Cytogenetic location: 10q26.11.
Variant type: Microsatellite.
Coding change: c.863_867del on transcript NM_004281.4 (MANE Select); coding-DNA positions 863 to 867, 5 bases deleted (ACTCC; older notation c.863_867delACTCC).
Protein change: p.His288fs; shifts the reading frame from histidine 288.
Molecular consequence: frameshift variant.
Genome position (GRCh38, 1-based): chr10:119,672,610-119,672,614, ACTCC deleted; deleting any 5 consecutive bases within chr10:119,672,603-119,672,614 gives the same sequence; the c. name uses the placement nearest the transcript's 3' end. VCF-style (leftmost placement, unchanged base first): chr10-119672602-GCCACT-G. GRCh37 (hg19) VCF-style: chr10-121432114-GCCACT-G.
Other names: short protein forms H288fs.
Identifiers: ClinVar variation 4784809 (VCV004784809.1).
Genomic context (GRCh38, chr10:119,672,602, plus strand): 5'-GTTCAGGTCATCTGTCCAGGGTGCATCGAGCCGGGAGGGCTCACCAGCCAGGAGCAGCAC[GCCACT>G]CCACTCCCCCTCGCCCATCCGTGTGCACACCGTGGTCGACAGGCCTCAGGTACGGGAAGT-3'

ClinVar aggregate classification (germline): Pathogenic (1 of 4 stars; one submission).

Conditions:
Dilated cardiomyopathy 1HH (CMD1HH). Identifiers: Orphanet 154, MedGen C3151293, MONDO:0013479, OMIM 613881.
Myofibrillar myopathy 6. Identifiers: Orphanet 199340, MedGen C2751831, MONDO:0013061, OMIM 612954.

Submission:

Labcorp Genetics (formerly Invitae), Labcorp
Classification: Pathogenic for Dilated cardiomyopathy 1HH; Myofibrillar myopathy 6. Last evaluated: 2025-04-23. Review status: criteria provided, single submitter. Criteria: Invitae Variant Classification Sherloc (09022015). Collection method: clinical testing. Allele origin: germline.
Comment: This sequence change creates a premature translational stop signal (p.His288Profs*29) in the BAG3 gene. While this is not anticipated to result in nonsense mediated decay, it is expected to disrupt the last 288 amino acid(s) of the BAG3 protein. This variant is not present in population databases (gnomAD no frequency). This variant has not been reported in the literature in individuals affected with BAG3-related conditions. This variant disrupts a region of the BAG3 protein in which other variant(s) (p.Arg309*) have been determined to be pathogenic (PMID: 25448463). This suggests that this is a clinically significant region of the protein, and that variants that disrupt it are likely to be disease-causing. For these reasons, this variant has been classified as Pathogenic.

Literature cited by the submitters: PubMed 25448463.